The following is an entry in ClinVar:

NM_003640.5(ELP1):c.3855+1G>C

Gene: ELP1 (elongator acetyltransferase complex subunit 1; minus strand). Cytogenetic location: 9q31.3.
Variant type: single nucleotide variant.
Coding change: c.3855+1G>C on transcript NM_003640.5 (MANE Select); the canonical splice donor site of the intron after coding-DNA position 3855, G replaced by C.
Molecular consequence: splice donor variant.
Genome position (GRCh38, 1-based): chr9:108,877,994, C>G on the plus strand (G>C on the coding strand, the complement: ELP1 is on the minus strand). VCF-style: chr9-108877994-C-G. GRCh37 (hg19) VCF-style: chr9-111640274-C-G.
Other names: c.3513+1G>C (NM_001318360.2); c.2808+1G>C (NM_001330749.2).
Identifiers: ClinVar variation 4815241 (VCV004815241.1).
Genomic context (GRCh38, chr9:108,877,994, plus strand): 5'-GTGAATACAATAACCCATGAAAATGATGAAAAAAATGCACACCGTCTCTGAGAAAACTTA[C>G]CGGGGTAGCTGAATTCTGCTGGTAAGTAAGAGTCCAAATTTCTGGAAGTGACCTTTCCAT-3'

ClinVar aggregate classification (germline): Likely pathogenic (1 of 4 stars; one submission).

Conditions:
Familial dysautonomia. Also called: HSAN III; FD. Identifiers: Orphanet 1764, MedGen C0013364, MONDO:0009131, OMIM 223900. Disease mechanism: loss of function.

Submission:

Natera, Inc.
Classification: Likely pathogenic for Familial dysautonomia. Last evaluated: 2024-08-09. Review status: criteria provided, single submitter. Criteria: Natera Variant Classification Schema (03/2026). Collection method: clinical testing. Allele origin: germline.
Comment: The c.3855+1G>C variant in ELP1 is a canonical splice donor site variant predicted to affect pre-mRNA splicing, which may result in an abnormal transcript and altered protein product. This variant is expected to result in nonsense mediated decay, truncation, or a dysfunctional protein product. This variant is rare in the general population with a frequency below the threshold expected for the associated phenotype(s). Given the available evidence, this variant is classified as Likely Pathogenic.